The following is an entry in ClinVar:

ClinVar aggregate classification (germline): Likely pathogenic (1 of 4 stars; one submission).

Conditions:
Intellectual disability and myopathy syndrome (IDMYS). Identifiers: MedGen C5676904, MONDO:0859224, OMIM 619719.

Submission:

Dasa
Classification: Likely pathogenic for Intellectual disability and myopathy syndrome. Last evaluated: 2025-12-03. Review status: criteria provided, single submitter. Criteria: DASA Assertion Criteria. Collection method: clinical testing. Allele origin: germline.
Comment: NM_020297.4(ABCC9):c.1936C>T (p.Gln646*) is a nonsense variant in ABCC9 predicted to introduce a premature termination codon and is predicted to result in an absent or altered protein product. Loss of function is an established disease mechanism for ABCC9-associated disorders. Also, this variant is absent from population databases. Based on the currently available evidence, this variant is classified as likely pathogenic.

NM_020297.4(ABCC9):c.1936C>T (p.Gln646Ter)

Gene: ABCC9 (ATP binding cassette subfamily C member 9; minus strand). Cytogenetic location: 12p12.1.
Variant type: single nucleotide variant.
Coding change: c.1936C>T on transcript NM_020297.4 (MANE Select); coding-DNA position 1936, C replaced by T.
Protein change: p.Gln646Ter; replaces glutamine 646 with a stop codon.
Molecular consequence: nonsense.
Genome position (GRCh38, 1-based): chr12:21,882,849, G>A on the plus strand (C>T on the coding strand, the complement: ABCC9 is on the minus strand). VCF-style: chr12-21882849-G-A. GRCh37 (hg19) VCF-style: chr12-22035783-G-A.
Other names: c.1936C>T, p.Gln646Ter (NM_001377273.1, NM_005691.4); c.1072C>T, p.Gln358Ter (NM_001377274.1); short protein forms Q358*, Q646*.
Identifiers: ClinVar variation 4883399 (VCV004883399.2).